The following is an entry in ClinVar:

NM_001165963.4(SCN1A):c.3631T>C (p.Cys1211Arg)

Genes: SCN1A (sodium voltage-gated channel alpha subunit 1; minus strand), LOC102724058 (uncharacterized LOC102724058; plus strand). Cytogenetic location: 2q24.3.
Variant type: single nucleotide variant.
Coding change: c.3631T>C on transcript NM_001165963.4 (MANE Select); coding-DNA position 3631, T replaced by C.
Protein change: p.Cys1211Arg; replaces cysteine 1211 with arginine.
Molecular consequence: missense variant. On other transcripts: non-coding transcript variant (1).
Genome position (GRCh38, 1-based): chr2:166,013,818, A>G on the plus strand (T>C on the coding strand, the complement: SCN1A is on the minus strand). VCF-style: chr2-166013818-A-G. GRCh37 (hg19) VCF-style: chr2-166870328-A-G.
Other names: c.3547T>C, p.Cys1183Arg (NM_001165964.3, NM_001353957.2, NM_001353958.2); c.3631T>C, p.Cys1211Arg (NM_001202435.3, NM_001353948.2); c.3598T>C, p.Cys1200Arg (NM_001353949.2, NM_001353950.2, NM_001353951.2 and 2 more transcripts); c.3595T>C, p.Cys1199Arg (NM_001353954.2, NM_001353955.2); c.3544T>C, p.Cys1182Arg (NM_001353960.2); c.1189T>C, p.Cys397Arg (NM_001353961.2); short protein forms C1182R, C1183R, C1199R, C1200R, C1211R, C397R.
Identifiers: ClinVar variation 1020453 (VCV001020453.10), dbSNP rs1692876877, ClinGen allele CA349056078.

ClinVar aggregate classification (germline): Uncertain significance (1 of 4 stars; one submission).

Conditions:
Early-infantile DEE. Also called: Ohtahara syndrome; Early infantile epileptic encephalopathy; Early infantile epileptic encephalopathy with suppression bursts. Identifiers: Orphanet 1934, MedGen C0393706, MONDO:0800491.

Allele frequency attached by ClinVar (database versions not stated): gnomAD exomes below 0.00001.
gnomAD v4.1: 1 of 1,612,450 alleles (0.000062%); highest among the groups gnomAD compares: Non-Finnish European, 0.000085%; no homozygotes.

Submission:

Labcorp Genetics (formerly Invitae), Labcorp
Classification: Uncertain significance for Early-infantile DEE. Last evaluated: 2020-01-23. Review status: criteria provided, single submitter. Criteria: Invitae Variant Classification Sherloc (09022015). Collection method: clinical testing. Allele origin: germline.
Comment: This variant is not present in population databases (ExAC no frequency). This sequence change replaces cysteine with arginine at codon 1211 of the SCN1A protein (p.Cys1211Arg). The cysteine residue is highly conserved and there is a large physicochemical difference between cysteine and arginine. This variant has been observed in individual(s) with clinical features of early infantile epileptic encephalopathy (PMID: 28664031). This variant is also known as c.3598T>C (p.Cys1200Arg) in the literature. Algorithms developed to predict the effect of missense changes on protein structure and function (SIFT, PolyPhen-2, Align-GVGD) all suggest that this variant is likely to be disruptive, but these predictions have not been confirmed by published functional studies and their clinical significance is uncertain. In summary, the available evidence is currently insufficient to determine the role of this variant in disease. Therefore, it has been classified as a Variant of Uncertain Significance.

Literature cited by the submitters: PubMed 28664031.